The following is an entry in ClinVar:

NM_024928.5(STN1):c.82A>G (p.Lys28Glu)

Gene: STN1 (STN1 subunit of CST complex; minus strand). Cytogenetic location: 10q24.33.
Variant type: single nucleotide variant.
Coding change: c.82A>G on transcript NM_024928.5 (MANE Select); coding-DNA position 82, A replaced by G.
Protein change: p.Lys28Glu; replaces lysine 28 with glutamic acid.
Molecular consequence: missense variant.
Genome position (GRCh38, 1-based): chr10:103,917,513, T>C on the plus strand (A>G on the coding strand, the complement: STN1 is on the minus strand). VCF-style: chr10-103917513-T-C. GRCh37 (hg19) VCF-style: chr10-105677271-T-C.
Other names: c.82A>G (NM_024928.4); short protein forms K28E.
Identifiers: ClinVar variation 2723275 (VCV002723275.3), dbSNP rs1318935234, ClinGen allele CA378050749.

ClinVar aggregate classification (germline): Uncertain significance. Review status: criteria provided, multiple submitters, no conflicts (2 of 4 stars). 2 submissions from 2 submitters: Uncertain significance (2). Last evaluated 2025-12-26.

Conditions:
STN1-related disorder. Also called: STN1-related condition.

Allele frequency attached by ClinVar (database versions not stated): gnomAD exomes 0.00001; TOPMed 0.00002; gnomAD 0.00003.
gnomAD v4.1: 26 of 1,613,972 alleles (0.0016%); highest among the groups gnomAD compares: East Asian, 0.0022%; no homozygotes.

Submissions (2):

PreventionGenetics, part of Exact Sciences
Classification: Uncertain significance for STN1-related condition. Last evaluated: 2025-12-26. Review status: criteria provided, single submitter. Criteria: ACMG Guidelines, 2015. Collection method: clinical testing. Allele origin: germline.
Comment: The STN1 c.82A>G variant is predicted to result in the amino acid substitution p.Lys28Glu. To our knowledge, this variant has not been reported in the literature. This variant is reported in 0.0023% of alleles in individuals of European (Non-Finnish) descent in gnomAD an dis classified as uncertain in ClinVar (Variation ID: 2723275). At this time, the clinical significance of this variant is uncertain due to the absence of conclusive functional and genetic evidence.

Labcorp Genetics (formerly Invitae), Labcorp
Classification: Uncertain significance. Last evaluated: 2023-08-09. Review status: criteria provided, single submitter. Criteria: Invitae Variant Classification Sherloc (09022015). Collection method: clinical testing. Allele origin: germline.
Comment: This sequence change replaces lysine, which is basic and polar, with glutamic acid, which is acidic and polar, at codon 28 of the STN1 protein (p.Lys28Glu). This variant is present in population databases (no rsID available, gnomAD 0.002%). This variant has not been reported in the literature in individuals affected with STN1-related conditions. Advanced modeling of protein sequence and biophysical properties (such as structural, functional, and spatial information, amino acid conservation, physicochemical variation, residue mobility, and thermodynamic stability) performed at Invitae indicates that this missense variant is expected to disrupt STN1 protein function. In summary, the available evidence is currently insufficient to determine the role of this variant in disease. Therefore, it has been classified as a Variant of Uncertain Significance.